The following is an entry in ClinVar:

ClinVar aggregate classification (germline): Conflicting classifications of pathogenicity. Review status: criteria provided, conflicting classifications (1 of 4 stars). 4 submissions from 4 submitters: Uncertain significance (3); Likely benign (1). Last evaluated 2025-09-22.

Conditions:
Familial thoracic aortic aneurysm and aortic dissection (TAAD). Also called: Thoracic aortic aneurysms and dissections. Identifiers: Orphanet 91387, MedGen C4707243, MONDO:0019625.
Aortic aneurysm, familial thoracic 4 (AAT4). Also called: AORTIC ANEURYSM/AORTIC DISSECTION AND PATENT DUCTUS ARTERIOSUS. Identifiers: MedGen C1851504, MONDO:0007568, OMIM 132900.

Allele frequency attached by ClinVar (database versions not stated): gnomAD 0.00001; gnomAD exomes 0.00002 and 0.00005; TOPMed 0.00002; ExAC 0.00005.
gnomAD v4.1: 28 of 1,613,980 alleles (0.0017%); highest among the groups gnomAD compares: South Asian, 0.025%; no homozygotes.

Submissions (4):

Color Diagnostics, LLC DBA Color Health
Classification: Likely benign for Familial thoracic aortic aneurysm and aortic dissection. Last evaluated: 2025-09-22. Review status: criteria provided, single submitter. Criteria: ACMG Guidelines, 2015. Collection method: clinical testing. Allele origin: germline.

Labcorp Genetics (formerly Invitae), Labcorp
Classification: Uncertain significance for Aortic aneurysm, familial thoracic 4. Last evaluated: 2024-12-24. Review status: criteria provided, single submitter. Criteria: Invitae Variant Classification Sherloc (09022015). Collection method: clinical testing. Allele origin: germline.
Comment: This sequence change replaces arginine, which is basic and polar, with histidine, which is basic and polar, at codon 1655 of the MYH11 protein (p.Arg1655His). This variant is present in population databases (rs750912363, gnomAD 0.03%). This variant has not been reported in the literature in individuals affected with MYH11-related conditions. ClinVar contains an entry for this variant (Variation ID: 926579). Invitae Evidence Modeling of protein sequence and biophysical properties (such as structural, functional, and spatial information, amino acid conservation, physicochemical variation, residue mobility, and thermodynamic stability) indicates that this missense variant is not expected to disrupt MYH11 protein function with a negative predictive value of 95%. In summary, the available evidence is currently insufficient to determine the role of this variant in disease. Therefore, it has been classified as a Variant of Uncertain Significance.

Ambry Genetics
Classification: Uncertain significance for Familial thoracic aortic aneurysm and aortic dissection. Last evaluated: 2023-11-10. Review status: criteria provided, single submitter. Criteria: Ambry Variant Classification Scheme 2023. Collection method: clinical testing. Allele origin: germline.
Comment: The p.R1648H variant (also known as c.4943G>A), located in coding exon 33 of the MYH11 gene, results from a G to A substitution at nucleotide position 4943. The arginine at codon 1648 is replaced by histidine, an amino acid with highly similar properties. This amino acid position is conserved. In addition, the in silico prediction for this alteration is inconclusive. Since supporting evidence is limited at this time, the clinical significance of this alteration remains unclear.

All of Us Research Program, National Institutes of Health
Classification: Uncertain significance for Familial thoracic aortic aneurysm and aortic dissection. Last evaluated: 2023-06-26. Review status: criteria provided, single submitter. Criteria: ACMG Guidelines, 2015. Collection method: clinical testing. Allele origin: germline. Inheritance: Autosomal dominant inheritance. Observed: 1 variant allele, 1 heterozygote.
Comment: Variant of Uncertain Significance due to insufficient evidence: This missense variant replaces arginine with histidine at codon 1655 of the MYH11 protein. Computational prediction tools and conservation analyses suggest that this variant may have deleterious impact on the protein function. Computational splicing tools suggest that this variant may not impact RNA splicing. To our knowledge, functional assays have not been performed for this variant nor has this variant been reported in individuals affected with cardiovascular disorders in the literature. This variant has been identified in 12/245932 chromosomes in the general population by the Genome Aggregation Database (gnomAD). Available evidence is insufficient to determine the role of this variant in disease conclusively.

This study involves interpretation of variants in research participants for the purpose of population health screening. Participant phenotype was not available at the time of variant classification. Additional details can be found in publication PMID: 35346344, PMCID: PMC8962531

NM_002474.3(MYH11):c.4943G>A (p.Arg1648His)

Genes: MYH11 (myosin heavy chain 11; minus strand), NDE1 (nudE neurodevelopment protein 1; plus strand). Cytogenetic location: 16p13.11.
Variant type: single nucleotide variant.
Coding change: c.4943G>A on transcript NM_002474.3 (MANE Select); coding-DNA position 4943, G replaced by A.
Protein change: p.Arg1648His; replaces arginine 1648 with histidine.
Molecular consequence: missense variant. On other transcripts: intron variant (2).
Genome position (GRCh38, 1-based): chr16:15,720,161, C>T on the plus strand (G>A on the coding strand, the complement: MYH11 is on the minus strand). VCF-style: chr16-15720161-C-T. GRCh37 (hg19) VCF-style: chr16-15814018-C-T.
Other names: c.4943G>A (NM_002474.2); c.4964G>A, p.Arg1655His (NM_001040113.2, NM_001040114.2); c.4943G>A, p.Arg1648His (NM_022844.3); c.948-4030C>T (NM_001143979.2, NM_017668.3); short protein forms R1655H, R1648H.
Identifiers: ClinVar variation 926579 (VCV000926579.11), dbSNP rs750912363, ClinGen allele CA7921505.